The following is an entry in ClinVar:

ClinVar aggregate classification (germline): Uncertain significance. Review status: criteria provided, multiple submitters, no conflicts (2 of 4 stars). 3 submissions from 3 submitters: Uncertain significance (3). Last evaluated 2024-08-29.

Conditions:
Autosomal recessive distal spinal muscular atrophy 1. Also called: NEURONOPATHY, SEVERE INFANTILE AXONAL, WITH RESPIRATORY FAILURE; SEVERE INFANTILE AXONAL NEUROPATHY WITH RESPIRATORY FAILURE; NEURONOPATHY, DISTAL HEREDITARY MOTOR, HARDING TYPE VI; NEUROPATHY, DISTAL HEREDITARY MOTOR, AUTOSOMAL RECESSIVE 1; SPINAL MUSCULAR ATROPHY, DIAPHRAGMATIC; Spinal muscular atrophy with respiratory distress 1. Identifiers: Orphanet 98920, MedGen C1858517, MONDO:0011436, OMIM 604320.
Charcot-Marie-Tooth disease axonal type 2S. Also called: CHARCOT-MARIE-TOOTH NEUROPATHY, TYPE 2S; CHARCOT-MARIE-TOOTH DISEASE, AXONAL, AUTOSOMAL RECESSIVE, TYPE 2S. Identifiers: Orphanet 443073, MedGen C4015349, MONDO:0014511, OMIM 616155.
Inborn genetic diseases. Identifiers: MedGen C0950123, MeSH D030342.

Allele frequency attached by ClinVar (database versions not stated): TOPMed below 0.00001; ExAC 0.00001; gnomAD 0.00001; gnomAD exomes 0.00001.
gnomAD v4.1: 9 of 1,613,944 alleles (0.00056%); highest among the groups gnomAD compares: Non-Finnish European, 0.00076%; no homozygotes.

Submissions (3):

ARUP Laboratories, Molecular Genetics and Genomics, ARUP Laboratories
Classification: Uncertain significance. Last evaluated: 2024-08-29. Review status: criteria provided, single submitter. Criteria: ARUP Molecular Germline Variant Investigation Process 2024. Collection method: clinical testing. Allele origin: germline.
Comment: The IGHMBP2 c.2308G>A; p.Asp770Asn variant (rs760946663), to our knowledge, is not reported in the medical literature but is reported in ClinVar (Variation ID: 948836). This variant is only observed on three alleles in the Genome Aggregation Database (v2.1.1), indicating it is not a common polymorphism. Computational analyses predict that this variant is neutral (REVEL: 0.123). Due to limited information, the clinical significance of this variant is uncertain at this time.

Labcorp Genetics (formerly Invitae), Labcorp
Classification: Uncertain significance for Autosomal recessive distal spinal muscular atrophy 1; Charcot-Marie-Tooth disease axonal type 2S. Last evaluated: 2021-08-31. Review status: criteria provided, single submitter. Criteria: Invitae Variant Classification Sherloc (09022015). Collection method: clinical testing. Allele origin: germline.
Comment: This sequence change replaces aspartic acid with asparagine at codon 770 of the IGHMBP2 protein (p.Asp770Asn). The aspartic acid residue is weakly conserved and there is a small physicochemical difference between aspartic acid and asparagine. This variant is present in population databases (rs760946663, ExAC 0.002%). This variant has not been reported in the literature in individuals affected with IGHMBP2-related conditions. Algorithms developed to predict the effect of missense changes on protein structure and function (SIFT, PolyPhen-2, Align-GVGD) all suggest that this variant is likely to be tolerated. In summary, the available evidence is currently insufficient to determine the role of this variant in disease. Therefore, it has been classified as a Variant of Uncertain Significance.

Ambry Genetics
Classification: Uncertain significance for Inborn genetic diseases. Last evaluated: 2020-10-19. Review status: criteria provided, single submitter. Criteria: Ambry Variant Classification Scheme 2023. Collection method: clinical testing. Allele origin: germline.
Comment: The p.D770N variant (also known as c.2308G>A), located in coding exon 13 of the IGHMBP2 gene, results from a G to A substitution at nucleotide position 2308. The aspartic acid at codon 770 is replaced by asparagine, an amino acid with highly similar properties. This amino acid position is not well conserved in available vertebrate species. In addition, this alteration is predicted to be tolerated by in silico analysis. Since supporting evidence is limited at this time, the clinical significance of this alteration remains unclear.

NM_002180.3(IGHMBP2):c.2308G>A (p.Asp770Asn)

Gene: IGHMBP2 (immunoglobulin mu DNA binding protein 2; plus strand). Cytogenetic location: 11q13.3.
Variant type: single nucleotide variant.
Coding change: c.2308G>A on transcript NM_002180.3 (MANE Select); coding-DNA position 2308, G replaced by A.
Protein change: p.Asp770Asn; replaces aspartic acid 770 with asparagine.
Molecular consequence: missense variant.
Genome position (GRCh38, 1-based): chr11:68,936,788, G>A. VCF-style: chr11-68936788-G-A. GRCh37 (hg19) VCF-style: chr11-68704256-G-A.
Other names: short protein forms D770N.
Identifiers: ClinVar variation 948836 (VCV000948836.10), dbSNP rs760946663, ClinGen allele CA6153879.